The following is an entry in ClinVar:

ClinVar aggregate classification (germline): Uncertain significance. Review status: criteria provided, multiple submitters, no conflicts (2 of 4 stars). 2 submissions from 2 submitters: Uncertain significance (2). Last evaluated 2025-06-09.

Conditions:
Inborn genetic diseases. Identifiers: MedGen C0950123, MeSH D030342.

gnomAD v4.1: 19 of 1,543,754 alleles (0.0012%); highest among the groups gnomAD compares: South Asian, 0.0012%; no homozygotes.

Submissions (2):

Ambry Genetics
Classification: Uncertain significance for Inborn genetic diseases. Last evaluated: 2025-06-09. Review status: criteria provided, single submitter. Criteria: Ambry Variant Classification Scheme 2023. Collection method: clinical testing. Allele origin: germline.

Labcorp Genetics (formerly Invitae), Labcorp
Classification: Uncertain significance. Last evaluated: 2024-03-27. Review status: criteria provided, single submitter. Criteria: Invitae Variant Classification Sherloc (09022015). Collection method: clinical testing. Allele origin: germline.
Comment: This sequence change replaces lysine, which is basic and polar, with glutamic acid, which is acidic and polar, at codon 438 of the KMT2E protein (p.Lys438Glu). The frequency data for this variant in the population databases is considered unreliable, as metrics indicate poor data quality at this position in the gnomAD database. This variant has not been reported in the literature in individuals affected with KMT2E-related conditions. Advanced modeling of protein sequence and biophysical properties (such as structural, functional, and spatial information, amino acid conservation, physicochemical variation, residue mobility, and thermodynamic stability) performed at Invitae indicates that this missense variant is not expected to disrupt KMT2E protein function with a negative predictive value of 80%. In summary, the available evidence is currently insufficient to determine the role of this variant in disease. Therefore, it has been classified as a Variant of Uncertain Significance.

NM_182931.3(KMT2E):c.1312A>G (p.Lys438Glu)

Gene: KMT2E (lysine methyltransferase 2E (inactive); plus strand). Cytogenetic location: 7q22.3.
Variant type: single nucleotide variant.
Coding change: c.1312A>G on transcript NM_182931.3 (MANE Select); coding-DNA position 1312, A replaced by G.
Protein change: p.Lys438Glu; replaces lysine 438 with glutamic acid.
Molecular consequence: missense variant.
Genome position (GRCh38, 1-based): chr7:105,081,751, A>G. VCF-style: chr7-105081751-A-G. GRCh37 (hg19) VCF-style: chr7-104722198-A-G.
Other names: c.1312A>G (NM_182931.2); c.1312A>G, p.Lys438Glu (NM_001410908.1, NM_018682.4); short protein forms K438E.
Identifiers: ClinVar variation 3713397 (VCV003713397.3).
Genomic context (GRCh38, chr7:105,081,751, plus strand): 5'-AGGCATGAAATTCAAGATGGAACCATACATCTTTATATTTATTCTATACACAGTATTCCA[A>G]AGGGAACTGAAATTACTATTGCCTTTGATTTTGACTATGGAAATTGGTGAGTTCAAGTCT-3'
Protein context (NP_891847.1, residues 428-448): LYIYSIHSIP[Lys438Glu]GTEITIAFDF